The following is an entry in ClinVar:

NM_177438.3(DICER1):c.4566_4570dup (p.Val1524fs)

Gene: DICER1 (dicer 1, ribonuclease III; minus strand). Cytogenetic location: 14q32.13.
Variant type: Duplication.
Coding change: c.4566_4570dup on transcript NM_177438.3 (MANE Select); coding-DNA positions 4566 to 4570, 5 bases duplicated (CTTTG; older notation c.4566_4570dupCTTTG).
Protein change: p.Val1524fs; shifts the reading frame from valine 1524.
Molecular consequence: frameshift variant.
Genome position (GRCh38, 1-based): chr14:95,096,350-95,096,354, CAAAG duplicated on the plus strand (CTTTG on the coding strand, the reverse complement: DICER1 is on the minus strand). VCF-style (leftmost placement, unchanged base first): chr14-95096349-A-ACAAAG. GRCh37 (hg19) VCF-style: chr14-95562686-A-ACAAAG.
Other names: c.4566_4570dup, p.Val1524fs (NM_001195573.1, NM_001271282.3, NM_001291628.2 and 1 more transcripts); short protein forms V1524fs.
Identifiers: ClinVar variation 933115 (VCV000933115.3), dbSNP rs1890334025, ClinGen allele CA1139663700.

ClinVar aggregate classification (germline): Pathogenic (1 of 4 stars; one submission).

Conditions:
DICER1-related tumor predisposition. Also called: DICER1-related pleuropulmonary blastoma cancer predisposition syndrome; DICER1 syndrome. Identifiers: Orphanet 284343, MedGen C3839822, MONDO:0100216.

Submission:

Foulkes Cancer Genetics LDI, Lady Davis Institute for Medical Research
Classification: Pathogenic for Pleuropulmonary blastoma. Last evaluated: 2019-07-01. Review status: criteria provided, single submitter. Criteria: ACMG Guidelines, 2015. Collection method: curation. Allele origin: germline. Affected: yes and no. Observed: 4 variant alleles.
Comment: ACMG criteria met: PVS1, PM2, PP4

Literature cited by the submitters: PubMed 28766837.